The following is an entry in ClinVar:

NM_000218.3(KCNQ1):c.*975C>T

Genes: KCNQ1 (potassium voltage-gated channel subfamily Q member 1; plus strand), KCNQ1-AS1 (KCNQ1 antisense RNA 1; minus strand). Cytogenetic location: 11p15.4.
Variant type: single nucleotide variant.
Coding change: c.*975C>T on transcript NM_000218.3 (MANE Select); 975 bases downstream of the stop codon, C replaced by T.
Molecular consequence: 3 prime UTR variant.
Genome position (GRCh38, 1-based): chr11:2,848,978, C>T. VCF-style: chr11-2848978-C-T. GRCh37 (hg19) VCF-style: chr11-2870208-C-T.
Other names: c.*975C>T (NM_001406836.1, NM_001406837.1, NM_001406838.1 and 2 more transcripts).
Identifiers: ClinVar variation 304269 (VCV000304269.8), dbSNP rs74048340, ClinGen allele CA041854.

ClinVar aggregate classification (germline): Likely benign. Review status: criteria provided, multiple submitters, no conflicts (2 of 4 stars). 5 submissions from 2 submitters: Likely benign (5). Last evaluated 2021-09-06.

Conditions:
Jervell and Lange-Nielsen syndrome 1 (JLNS1). Also called: CARDIOAUDITORY SYNDROME OF JERVELL AND LANGE-NIELSEN; DEAFNESS, CONGENITAL, AND FUNCTIONAL HEART DISEASE; PROLONGED QT INTERVAL IN EKG AND SUDDEN DEATH; SURDO-CARDIAC SYNDROME. Identifiers: Orphanet 768, Orphanet 90647, MedGen C4551509, MONDO:0024540, OMIM 220400.
Long QT syndrome 1 (LQT1). Identifiers: Orphanet 101016, Orphanet 768, MedGen C4551647, MONDO:0100316, OMIM 192500, MONDO:0008646.
Short QT syndrome type 2. Identifiers: Orphanet 51083, MedGen C1865019, MONDO:0012313, OMIM 609621.
Atrial fibrillation, familial, 3 (ATFB3). Identifiers: MedGen C1837014, MONDO:0011857, OMIM 607554.

Allele frequency attached by ClinVar (database versions not stated): ExAC 0.00084; gnomAD exomes 0.00125 and 0.00218; gnomAD 0.00757 and 0.00794; TOPMed 0.00915; 1000 Genomes Project 0.00978; 1000 Genomes Project 30x 0.01109.
gnomAD v4.1: 1,519 of 454,154 alleles (0.33%); highest among the groups gnomAD compares: African/African-American, 2.5%; 20 homozygotes.

Submissions (5):

GeneDx
Classification: Likely benign. Last evaluated: 2021-09-06. Review status: criteria provided, single submitter. Criteria: GeneDx Variant Classification Process June 2021. Collection method: clinical testing. Allele origin: germline. Affected: yes.

Illumina Laboratory Services, Illumina
Classification: Likely benign for Jervell and Lange-Nielsen syndrome 1. Last evaluated: 2018-02-20. Review status: criteria provided, single submitter. Criteria: ICSL Variant Classification Criteria 13 December 2019. Collection method: clinical testing. Allele origin: germline.
Comment: This variant was observed as part of a predisposition screen in an ostensibly healthy population. A literature search was performed for the gene, cDNA change, and amino acid change (where applicable). No publications were found based on this search. Allele frequency data from public databases allowed determination this variant is unlikely to cause disease. Therefore, this variant is classified as likely benign.

Illumina Laboratory Services, Illumina
Classification: Likely benign for Atrial fibrillation, familial, 3. Last evaluated: 2018-02-20. Review status: criteria provided, single submitter. Criteria: ICSL Variant Classification Criteria 13 December 2019. Collection method: clinical testing. Allele origin: germline.
Comment: the same text as in the submission from Illumina Laboratory Services, Illumina above.

Illumina Laboratory Services, Illumina
Classification: Likely benign for Short QT syndrome type 2. Last evaluated: 2018-02-20. Review status: criteria provided, single submitter. Criteria: ICSL Variant Classification Criteria 13 December 2019. Collection method: clinical testing. Allele origin: germline.
Comment: the same text as in the submission from Illumina Laboratory Services, Illumina above.

Illumina Laboratory Services, Illumina
Classification: Likely benign for Long QT syndrome 1. Last evaluated: 2018-02-20. Review status: criteria provided, single submitter. Criteria: ICSL Variant Classification Criteria 13 December 2019. Collection method: clinical testing. Allele origin: germline.
Comment: the same text as in the submission from Illumina Laboratory Services, Illumina above.